The following is an entry in ClinVar:

NM_182961.4(SYNE1):c.22734G>A (p.Trp7578Ter)

Gene: SYNE1 (spectrin repeat containing nuclear envelope protein 1; minus strand). Cytogenetic location: 6q25.2.
Variant type: single nucleotide variant.
Coding change: c.22734G>A on transcript NM_182961.4 (MANE Select); coding-DNA position 22734, G replaced by A.
Protein change: p.Trp7578Ter; replaces tryptophan 7578 with a stop codon.
Molecular consequence: nonsense.
Genome position (GRCh38, 1-based): chr6:152,208,062, C>T on the plus strand (G>A on the coding strand, the complement: SYNE1 is on the minus strand). VCF-style: chr6-152208062-C-T. GRCh37 (hg19) VCF-style: chr6-152529197-C-T.
Other names: c.22521G>A, p.Trp7507Ter (NM_033071.5); short protein forms W7578*, W7507*.
Identifiers: ClinVar variation 1454676 (VCV001454676.6), dbSNP rs780634258, ClinGen allele CA366096030.

ClinVar aggregate classification (germline): Pathogenic (1 of 4 stars; one submission).

Conditions:
Emery-Dreifuss muscular dystrophy 4, autosomal dominant (EDMD4). Also called: EMERY-DREIFUSS MUSCULAR DYSTROPHY 4 WITH VARIABLE FEATURES. Identifiers: Orphanet 261, MedGen C2751807, MONDO:0013071, OMIM 612998.
Autosomal recessive ataxia, Beauce type. Also called: Spinocerebellar ataxia, autosomal recessive 8; ATAXIA, RECESSIVE, OF BEAUCE; SYNE1 Deficiency; SYNE1-Related Autosomal Recessive Cerebellar Ataxia. Identifiers: Orphanet 88644, MedGen C1853116, MONDO:0012549, OMIM 610743.

Allele frequency attached by ClinVar (database versions not stated): gnomAD 0.00001.
gnomAD v4.1: 2 of 1,614,026 alleles (0.00012%); highest among the groups gnomAD compares: Non-Finnish European, 0.00017%; no homozygotes.

Submission:

Labcorp Genetics (formerly Invitae), Labcorp
Classification: Pathogenic for Emery-Dreifuss muscular dystrophy 4, autosomal dominant; Autosomal recessive ataxia, Beauce type. Last evaluated: 2022-08-16. Review status: criteria provided, single submitter. Criteria: Invitae Variant Classification Sherloc (09022015). Collection method: clinical testing. Allele origin: germline.
Comment: For these reasons, this variant has been classified as Pathogenic. ClinVar contains an entry for this variant (Variation ID: 1454676). This variant has not been reported in the literature in individuals affected with SYNE1-related conditions. This variant is not present in population databases (gnomAD no frequency). This sequence change creates a premature translational stop signal (p.Trp7507*) in the SYNE1 gene. It is expected to result in an absent or disrupted protein product. Loss-of-function variants in SYNE1 are known to be pathogenic (PMID: 19542096, 24319099, 27086870).

Literature cited by the submitters: PubMed 19542096; PubMed 24319099; PubMed 27086870.